The following is an entry in ClinVar:

NM_002691.4(POLD1):c.1185T>C (p.Gly395=)

Gene: POLD1 (DNA polymerase delta 1, catalytic subunit; plus strand). Cytogenetic location: 19q13.33.
Variant type: single nucleotide variant.
Coding change: c.1185T>C on transcript NM_002691.4 (MANE Select); coding-DNA position 1185, T replaced by C.
Protein change: p.Gly395=; no amino-acid change (glycine 395 retained).
Molecular consequence: synonymous variant. On other transcripts: non-coding transcript variant (1).
Genome position (GRCh38, 1-based): chr19:50,403,540, T>C. VCF-style: chr19-50403540-T-C. GRCh37 (hg19) VCF-style: chr19-50906797-T-C.
Other names: c.1185T>C, p.Gly395= (NM_001256849.1, NM_001308632.1).
Identifiers: ClinVar variation 673937 (VCV000673937.12), dbSNP rs1601206201, ClinGen allele CA508183092.

ClinVar aggregate classification (germline): Benign/Likely benign. Review status: criteria provided, multiple submitters, no conflicts (2 of 4 stars). 4 submissions from 4 submitters: Benign (1); Likely benign (3). Last evaluated 2025-02-05.

Conditions:
Hereditary cancer-predisposing syndrome. Also called: Hereditary neoplastic syndrome; Tumor predisposition; Hereditary Cancer Syndrome; Neoplastic Syndromes, Hereditary. Identifiers: Orphanet 140162, MedGen C0027672, MeSH D009386, MONDO:0015356.
POLD1-related polyposis and colorectal cancer syndrome (CRCS10). Also called: Colorectal cancer, susceptibility to, 10; Colorectal cancer 10; COLORECTAL CANCER, SUSCEPTIBILITY TO, ON CHROMOSOME 19q. Identifiers: Orphanet 220460, MedGen C2675481, MONDO:0012953, OMIM 612591.

Submissions (4):

Myriad Genetics, Inc.
Classification: Benign for POLD1-related polyposis and colorectal cancer syndrome. Last evaluated: 2025-02-05. Review status: criteria provided, single submitter. Criteria: Myriad Autosomal Dominant, Autosomal Recessive and X-Linked Classification Criteria (2023). Collection method: clinical testing. Allele origin: unknown.
Comment: This variant is considered benign. This variant is a silent/synonymous amino acid change and it is not expected to impact splicing.

Labcorp Genetics (formerly Invitae), Labcorp
Classification: Likely benign for POLD1-related polyposis and colorectal cancer syndrome. Last evaluated: 2022-05-14. Review status: criteria provided, single submitter. Criteria: Invitae Variant Classification Sherloc (09022015). Collection method: clinical testing. Allele origin: germline.

Ambry Genetics
Classification: Likely benign for Hereditary cancer-predisposing syndrome. Last evaluated: 2022-02-18. Review status: criteria provided, single submitter. Criteria: Ambry Variant Classification Scheme 2023. Collection method: clinical testing. Allele origin: germline.

GeneDx
Classification: Likely benign. Last evaluated: 2018-06-20. Review status: criteria provided, single submitter. Criteria: GeneDx Variant Classification (06012015). Collection method: clinical testing. Allele origin: germline. Affected: yes.
Comment: This variant is considered likely benign or benign based on one or more of the following criteria: it is a conservative change, it occurs at a poorly conserved position in the protein, it is predicted to be benign by multiple in silico algorithms, and/or has population frequency not consistent with disease.